The following is an entry in ClinVar:

NM_000081.4(LYST):c.8425dup (p.Glu2809fs)

Gene: LYST (lysosomal trafficking regulator; minus strand). Cytogenetic location: 1q42.3.
Variant type: Duplication.
Coding change: c.8425dup on transcript NM_000081.4 (MANE Select); coding-DNA position 8425, one base duplicated (G; older notation c.8425dupG).
Protein change: p.Glu2809fs; shifts the reading frame from glutamic acid 2809.
Molecular consequence: frameshift variant.
Genome position (GRCh38, 1-based): chr1:235,734,593, C duplicated on the plus strand (G on the coding strand, the reverse complement: LYST is on the minus strand). VCF-style (leftmost placement, unchanged base first): chr1-235734592-T-TC. GRCh37 (hg19) VCF-style: chr1-235897892-T-TC.
Other names: c.8425dup, p.Glu2809fs (NM_001301365.1); short protein forms E2809fs.
Identifiers: ClinVar variation 2676341 (VCV002676341.4), dbSNP rs2527559893, ClinGen allele CA2695200042.

ClinVar aggregate classification (germline): Pathogenic/Likely pathogenic. Review status: criteria provided, multiple submitters, no conflicts (2 of 4 stars). 2 submissions from 2 submitters: Pathogenic (1); Likely pathogenic (1). Last evaluated 2023-09-29.

Conditions:
Chédiak-Higashi syndrome (CHS). Also called: Chediak-Higashi Syndrome. Identifiers: Orphanet 167, MedGen C0007965, MONDO:0008963, OMIM 214500.

Submissions (2):

Labcorp Genetics (formerly Invitae), Labcorp
Classification: Pathogenic for Chédiak-Higashi syndrome. Last evaluated: 2023-09-29. Review status: criteria provided, single submitter. Criteria: Invitae Variant Classification Sherloc (09022015). Collection method: clinical testing. Allele origin: germline.
Comment: This sequence change creates a premature translational stop signal (p.Glu2809Glyfs*33) in the LYST gene. It is expected to result in an absent or disrupted protein product. Loss-of-function variants in LYST are known to be pathogenic (PMID: 9215679, 11857544). This variant is not present in population databases (gnomAD no frequency). This variant has not been reported in the literature in individuals affected with LYST-related conditions. For these reasons, this variant has been classified as Pathogenic.

Baylor Genetics
Classification: Likely pathogenic for Chédiak-Higashi syndrome. Last evaluated: 2023-09-27. Review status: criteria provided, single submitter. Criteria: ACMG Guidelines, 2015. Collection method: clinical testing. Allele origin: unknown.

Literature cited by the submitters: PubMed 9215679 (cited by Labcorp Genetics (formerly Invitae), Labcorp); PubMed 11857544 (cited by Labcorp Genetics (formerly Invitae), Labcorp).